The following is an entry in ClinVar:

NM_015295.3(SMCHD1):c.332C>T (p.Thr111Met)

Gene: SMCHD1 (structural maintenance of chromosomes flexible hinge domain containing 1; plus strand). Cytogenetic location: 18p11.32.
Variant type: single nucleotide variant.
Coding change: c.332C>T on transcript NM_015295.3 (MANE Select); coding-DNA position 332, C replaced by T.
Protein change: p.Thr111Met; replaces threonine 111 with methionine.
Molecular consequence: missense variant.
Genome position (GRCh38, 1-based): chr18:2,666,939, C>T. VCF-style: chr18-2666939-C-T. GRCh37 (hg19) VCF-style: chr18-2666938-C-T.
Other names: short protein forms T111M.
Identifiers: ClinVar variation 2436199 (VCV002436199.6), dbSNP rs2510098162, ClinGen allele CA401687888.

ClinVar aggregate classification (germline): Uncertain significance. Review status: criteria provided, multiple submitters, no conflicts (2 of 4 stars). 2 submissions from 2 submitters: Uncertain significance (2). Last evaluated 2023-03-18.

Conditions:
Facioscapulohumeral muscular dystrophy 2 (FSHD2). Also called: FACIOSCAPULOHUMERAL MUSCULAR DYSTROPHY 2, DIGENIC; FSHD2, DIGENIC; MUSCULAR DYSTROPHY, FACIOSCAPULOHUMERAL, TYPE 1B. Identifiers: Orphanet 269, MedGen C1834671, MONDO:0008031, OMIM 158901.

Submissions (2):

Labcorp Genetics (formerly Invitae), Labcorp
Classification: Uncertain significance for Facioscapulohumeral muscular dystrophy 2. Last evaluated: 2023-03-18. Review status: criteria provided, single submitter. Criteria: Invitae Variant Classification Sherloc (09022015). Collection method: clinical testing. Allele origin: germline.
Comment: This variant is not present in population databases (gnomAD no frequency). In summary, the available evidence is currently insufficient to determine the role of this variant in disease. Therefore, it has been classified as a Variant of Uncertain Significance. Advanced modeling of protein sequence and biophysical properties (such as structural, functional, and spatial information, amino acid conservation, physicochemical variation, residue mobility, and thermodynamic stability) performed at Invitae indicates that this missense variant is not expected to disrupt SMCHD1 protein function. ClinVar contains an entry for this variant (Variation ID: 2436199). This variant has not been reported in the literature in individuals affected with SMCHD1-related conditions. This sequence change replaces threonine, which is neutral and polar, with methionine, which is neutral and non-polar, at codon 111 of the SMCHD1 protein (p.Thr111Met).

Revvity Omics, Revvity
Classification: Uncertain significance. Last evaluated: 2022-05-02. Review status: criteria provided, single submitter. Criteria: ACMG Guidelines, 2015. Collection method: clinical testing. Allele origin: germline.